The following is an entry in ClinVar:

NM_012108.4(STAP1):c.872A>C (p.Asn291Thr)

Gene: STAP1 (signal transducing adaptor family member 1; plus strand). Cytogenetic location: 4q13.2.
Variant type: single nucleotide variant.
Coding change: c.872A>C on transcript NM_012108.4 (MANE Select); coding-DNA position 872, A replaced by C.
Protein change: p.Asn291Thr; replaces asparagine 291 with threonine.
Molecular consequence: missense variant.
Genome position (GRCh38, 1-based): chr4:67,606,341, A>C. VCF-style: chr4-67606341-A-C. GRCh37 (hg19) VCF-style: chr4-68472059-A-C.
Other names: c.872A>C, p.Asn291Thr (NM_001317769.2); short protein forms N291T.
Identifiers: ClinVar variation 3450263 (VCV003450263.1).
Genomic context (GRCh38, chr4:67,606,341, plus strand): 5'-ACCCACAATTTCTAGGTCAAGAACCCAGTATGGAAGGGAGAAGTGAAAAGTTGAAGAAAA[A>C]TCCACACATTGCATGAAATACAATGTGAAAGCTCCTTTGTATATCTTGGTAATTTATATT-3'
Protein context (NP_036240.1, residues 281-295): MEGRSEKLKK[Asn291Thr]PHIA

ClinVar aggregate classification (germline): Uncertain significance (1 of 4 stars; one submission).

Submission:

Ambry Genetics
Classification: Uncertain significance. Last evaluated: 2024-08-03. Review status: criteria provided, single submitter. Criteria: Ambry Variant Classification Scheme 2023. Collection method: clinical testing. Allele origin: germline.
Comment: The p.N291T variant (also known as c.872A>C), located in coding exon 9 of the STAP1 gene, results from an A to C substitution at nucleotide position 872. The asparagine at codon 291 is replaced by threonine, an amino acid with similar properties. This amino acid position is conserved. In addition, this alteration is predicted to be tolerated by in silico analysis. Based on the available evidence, the clinical significance of this variant remains unclear.